The following is an entry in ClinVar:

NM_014491.4(FOXP2):c.2066T>C (p.Leu689Ser)

Gene: FOXP2 (forkhead box P2; plus strand). Cytogenetic location: 7q31.1.
Variant type: single nucleotide variant.
Coding change: c.2066T>C on transcript NM_014491.4 (MANE Select); coding-DNA position 2066, T replaced by C.
Protein change: p.Leu689Ser; replaces leucine 689 with serine.
Molecular consequence: missense variant. On other transcripts: non-coding transcript variant (2).
Genome position (GRCh38, 1-based): chr7:114,689,844, T>C. VCF-style: chr7-114689844-T-C. GRCh37 (hg19) VCF-style: chr7-114329899-T-C.
Other names: c.2117T>C, p.Leu706Ser (NM_148900.4); c.2063T>C, p.Leu688Ser (NM_001172766.3); c.2141T>C, p.Leu714Ser (NM_148898.4); short protein forms L688S, L689S, L706S, L714S.
Identifiers: ClinVar variation 2627230 (VCV002627230.1), dbSNP rs750287608, ClinGen allele CA4446300.

ClinVar aggregate classification (germline): Uncertain significance (1 of 4 stars; one submission).

Allele frequency attached by ClinVar (database versions not stated): gnomAD exomes 0.00001; TOPMed 0.00001; ExAC 0.00002; gnomAD 0.00002.
gnomAD v4.1: 18 of 1,613,378 alleles (0.0011%); highest among the groups gnomAD compares: Non-Finnish European, 0.0014%; no homozygotes.

Submission:

Women's Health and Genetics/Laboratory Corporation of America, LabCorp
Classification: Uncertain significance. Last evaluated: 2023-09-01. Review status: criteria provided, single submitter. Criteria: LabCorp Variant Classification Summary - May 2015. Collection method: clinical testing. Allele origin: germline.
Comment: Variant summary: FOXP2 c.2066T>C (p.Leu689Ser) results in a non-conservative amino acid change in the encoded protein sequence. Five of five in-silico tools predict a damaging effect of the variant on protein function. The variant allele was found at a frequency of 1.2e-05 in 250746 control chromosomes (gnomAD). The available data on variant occurrences in the general population are insufficient to allow any conclusion about variant significance. To our knowledge, no occurrence of c.2066T>C in individuals affected with Speech-Language Disorder 1 and no experimental evidence demonstrating its impact on protein function have been reported. No submitters have cited clinical-significance assessments for this variant to ClinVar after 2014. Based on the evidence outlined above, the variant was classified as uncertain significance.